The following is an entry in ClinVar:

NM_005732.4(RAD50):c.3408C>G (p.His1136Gln)

Genes: TH2-LCR (Th2 cytokine locus control region; plus strand), TH2LCRR (T helper type 2 locus control region associated RNA; minus strand), RAD50 (RAD50 double strand break repair protein; plus strand). Cytogenetic location: 5q31.1.
Variant type: single nucleotide variant.
Coding change: c.3408C>G on transcript NM_005732.4 (MANE Select); coding-DNA position 3408, C replaced by G.
Protein change: p.His1136Gln; replaces histidine 1136 with glutamine.
Molecular consequence: missense variant.
Genome position (GRCh38, 1-based): chr5:132,637,133, C>G. VCF-style: chr5-132637133-C-G. GRCh37 (hg19) VCF-style: chr5-131972825-C-G.
Other names: short protein forms H1136Q.
Identifiers: ClinVar variation 2586245 (VCV002586245.2), dbSNP rs786201225, ClinGen allele CA360929821.

ClinVar aggregate classification (germline): Uncertain significance (1 of 4 stars; one submission).

Conditions:
Hereditary cancer-predisposing syndrome. Also called: Hereditary neoplastic syndrome; Tumor predisposition; Hereditary Cancer Syndrome; Neoplastic Syndromes, Hereditary. Identifiers: Orphanet 140162, MedGen C0027672, MeSH D009386, MONDO:0015356.

Submission:

Ambry Genetics
Classification: Uncertain significance for Hereditary cancer-predisposing syndrome. Last evaluated: 2023-07-23. Review status: criteria provided, single submitter. Criteria: Ambry Variant Classification Scheme 2023. Collection method: clinical testing. Allele origin: germline.
Comment: The p.H1136Q variant (also known as c.3408C>G), located in coding exon 22 of the RAD50 gene, results from a C to G substitution at nucleotide position 3408. The histidine at codon 1136 is replaced by glutamine, an amino acid with highly similar properties. This amino acid position is conserved. In addition, this alteration is predicted to be deleterious by in silico analysis. Since supporting evidence is limited at this time, the clinical significance of this alteration remains unclear.